The following is an entry in ClinVar:

NM_003748.4(ALDH4A1):c.*1198A>G

Gene: ALDH4A1 (aldehyde dehydrogenase 4 family member A1; minus strand). Cytogenetic location: 1p36.13.
Variant type: single nucleotide variant.
Coding change: c.*1198A>G on transcript NM_003748.4 (MANE Select); 1198 bases downstream of the stop codon, A replaced by G.
Molecular consequence: 3 prime UTR variant.
Genome position (GRCh38, 1-based): chr1:18,871,647, T>C on the plus strand (A>G on the coding strand, the complement: ALDH4A1 is on the minus strand). VCF-style: chr1-18871647-T-C. GRCh37 (hg19) VCF-style: chr1-19198141-T-C.
Other names: c.*1198A>G (NM_001161504.2, NM_001319218.2); c.*185A>G (NM_170726.3).
Identifiers: ClinVar variation 294336 (VCV000294336.6), dbSNP rs7366541, ClinGen allele CA10609096.
Genomic context (GRCh38, chr1:18,871,647, plus strand): 5'-GAACCCACACCCAGCCCAGCTGGCACCAGCACCCACCCCCATCCATGGGCCAGTGGCACT[T>C]GGGGAATGGCCACACCAGCTCCGGGTGGGGTCCCATGCAGGCATCCTGGAGGAAGACCCA-3'

ClinVar aggregate classification (germline): Benign. Review status: criteria provided, multiple submitters, no conflicts (2 of 4 stars). 2 submissions from 2 submitters: Benign (2). Last evaluated 2018-01-13.

Conditions:
Hyperprolinemia type 2 (HYRPRO2). Also called: 1-PYRROLINE-5-CARBOXYLATE DEHYDROGENASE DEFICIENCY; Deficiency of pyrroline-5-carboxylate reductase; Delta-1-pyrroline-5-carboxylate dehydrogenase deficiency. Identifiers: Orphanet 79101, MedGen C2931835, MONDO:0009401, OMIM 239510.

Allele frequency attached by ClinVar (database versions not stated): 1000 Genomes Project 0.17991; 1000 Genomes Project 30x 0.18192; gnomAD 0.24113 and 0.24677; TOPMed 0.24280; gnomAD exomes 0.26829.
gnomAD v4.1: 36,846 of 152,256 alleles (24%); highest among the groups gnomAD compares: Middle Eastern, 31%; 4,711 homozygotes.

Submissions (2):

Illumina Laboratory Services, Illumina
Classification: Benign for Hyperprolinemia type 2. Last evaluated: 2018-01-13. Review status: criteria provided, single submitter. Criteria: ICSL Variant Classification Criteria 13 December 2019. Collection method: clinical testing. Allele origin: germline.
Comment: This variant was observed in the ICSL laboratory as part of a predisposition screen in an ostensibly healthy population. It had not been previously curated by ICSL or reported in the Human Gene Mutation Database (HGMD: prior to June 1st, 2018), and was therefore a candidate for classification through an automated scoring system. Utilizing variant allele frequency, disease prevalence and penetrance estimates, and inheritance mode, an automated score was calculated to assess if this variant is too frequent to cause the disease. Based on the score and internal cut-off values, a variant classified as benign is not then subjected to further curation. The score for this variant resulted in a classification of benign for this disease.

Breakthrough Genomics
Classification: Benign. Review status: criteria provided, single submitter. Criteria: ACMG Guidelines, 2015. Collection method: not provided. Allele origin: germline. Inheritance: Autosomal recessive inheritance. Affected: yes.